The following is an entry in ClinVar:

ClinVar aggregate classification (germline): Uncertain significance. Review status: criteria provided, multiple submitters, no conflicts (2 of 4 stars). 2 submissions from 2 submitters: Uncertain significance (2). Last evaluated 2025-08-14.

Conditions:
Epilepsy, familial adult myoclonic, 5 (EPEO5). Also called: CORTICAL MYOCLONIC TREMOR WITH EPILEPSY, FAMILIAL, 5. Identifiers: Orphanet 86814, MedGen C3809374, MONDO:0014167, OMIM 615400.

Allele frequency attached by ClinVar (database versions not stated): TOPMed below 0.00001; gnomAD 0.00001; gnomAD exomes 0.00001 and 0.00002; ExAC 0.00003.
gnomAD v4.1: 16 of 1,613,916 alleles (0.00099%); highest among the groups gnomAD compares: South Asian, 0.0022%; no homozygotes.

Submissions (2):

Ambry Genetics
Classification: Uncertain significance. Last evaluated: 2025-08-14. Review status: criteria provided, single submitter. Criteria: Ambry Variant Classification Scheme 2023. Collection method: clinical testing. Allele origin: germline.

Labcorp Genetics (formerly Invitae), Labcorp
Classification: Uncertain significance for Epilepsy, familial adult myoclonic, 5. Last evaluated: 2021-05-27. Review status: criteria provided, single submitter. Criteria: Invitae Variant Classification Sherloc (09022015). Collection method: clinical testing. Allele origin: germline.
Comment: This variant has not been reported in the literature in individuals with CNTN2-related conditions. ClinVar contains an entry for this variant (Variation ID: 834729). In summary, the available evidence is currently insufficient to determine the role of this variant in disease. Therefore, it has been classified as a Variant of Uncertain Significance. Algorithms developed to predict the effect of missense changes on protein structure and function (SIFT, PolyPhen-2, Align-GVGD) all suggest that this variant is likely to be disruptive, but these predictions have not been confirmed by published functional studies and their clinical significance is uncertain. This variant is present in population databases (rs745808857, ExAC 0.01%). This sequence change replaces glycine with aspartic acid at codon 721 of the CNTN2 protein (p.Gly721Asp). The glycine residue is highly conserved and there is a moderate physicochemical difference between glycine and aspartic acid.

NM_005076.5(CNTN2):c.2162G>A (p.Gly721Asp)

Gene: CNTN2 (contactin 2; plus strand). Cytogenetic location: 1q32.1.
Variant type: single nucleotide variant.
Coding change: c.2162G>A on transcript NM_005076.5 (MANE Select); coding-DNA position 2162, G replaced by A.
Protein change: p.Gly721Asp; replaces glycine 721 with aspartic acid.
Molecular consequence: missense variant. On other transcripts: non-coding transcript variant (1).
Genome position (GRCh38, 1-based): chr1:205,069,527, G>A. VCF-style: chr1-205069527-G-A. GRCh37 (hg19) VCF-style: chr1-205038655-G-A.
Other names: c.2162G>A, p.Gly721Asp (NM_001346083.2); short protein forms G721D.
Identifiers: ClinVar variation 834729 (VCV000834729.10), dbSNP rs745808857, ClinGen allele CA1351616.